The following is an entry in ClinVar:

NM_002334.4(LRP4):c.2989C>T (p.Arg997Cys)

Gene: LRP4 (LDL receptor related protein 4; minus strand). Cytogenetic location: 11p11.2.
Variant type: single nucleotide variant.
Coding change: c.2989C>T on transcript NM_002334.4 (MANE Select); coding-DNA position 2989, C replaced by T.
Protein change: p.Arg997Cys; replaces arginine 997 with cysteine.
Molecular consequence: missense variant.
Genome position (GRCh38, 1-based): chr11:46,879,141, G>A on the plus strand (C>T on the coding strand, the complement: LRP4 is on the minus strand). VCF-style: chr11-46879141-G-A. GRCh37 (hg19) VCF-style: chr11-46900692-G-A.
Other names: short protein forms R997C.
Identifiers: ClinVar variation 2052465 (VCV002052465.3), dbSNP rs1182075915, ClinGen allele CA380277136.

ClinVar aggregate classification (germline): Uncertain significance. Review status: criteria provided, multiple submitters, no conflicts (2 of 4 stars). 2 submissions from 2 submitters: Uncertain significance (2). Last evaluated 2024-08-30.

Conditions:
Cenani-Lenz syndactyly syndrome. Also called: CENANI SYNDACTYLISM; SYNDACTYLY, TYPE VII. Identifiers: Orphanet 3258, MedGen C1859309, MONDO:0008931, OMIM 212780.
Sclerosteosis 2 (SOST2). Identifiers: Orphanet 3152, MedGen C3280402, MONDO:0013679, OMIM 614305.
Congenital myasthenic syndrome 17. Identifiers: Orphanet 590, MedGen C4225377, MONDO:0014578, OMIM 616304.

Allele frequency attached by ClinVar (database versions not stated): gnomAD 0.00003; gnomAD exomes 0.00002; TOPMed 0.00002.
gnomAD v4.1: 38 of 1,614,122 alleles (0.0024%); highest among the groups gnomAD compares: Non-Finnish European, 0.0031%; no homozygotes.

Submissions (2):

Revvity Omics, Revvity
Classification: Uncertain significance. Last evaluated: 2024-08-30. Review status: criteria provided, single submitter. Criteria: ACMG Guidelines, 2015. Collection method: clinical testing. Allele origin: germline.

Labcorp Genetics (formerly Invitae), Labcorp
Classification: Uncertain significance for Cenani-Lenz syndactyly syndrome; Sclerosteosis 2; Congenital myasthenic syndrome 17. Last evaluated: 2022-11-08. Review status: criteria provided, single submitter. Criteria: Invitae Variant Classification Sherloc (09022015). Collection method: clinical testing. Allele origin: germline.
Comment: In summary, the available evidence is currently insufficient to determine the role of this variant in disease. Therefore, it has been classified as a Variant of Uncertain Significance. Advanced modeling of protein sequence and biophysical properties (such as structural, functional, and spatial information, amino acid conservation, physicochemical variation, residue mobility, and thermodynamic stability) performed at Invitae indicates that this missense variant is not expected to disrupt LRP4 protein function. This variant has not been reported in the literature in individuals affected with LRP4-related conditions. This variant is present in population databases (no rsID available, gnomAD 0.005%). This sequence change replaces arginine, which is basic and polar, with cysteine, which is neutral and slightly polar, at codon 997 of the LRP4 protein (p.Arg997Cys).